The following is an entry in ClinVar:

NM_000124.4(ERCC6):c.2827_2829+6del

Genes: ERCC6 (ERCC excision repair 6, chromatin remodeling factor; minus strand), LOC126860933 (BRD4-independent group 4 enhancer GRCh37_chr10:50679962-50681161; plus strand). Cytogenetic location: 10q11.23.
Variant type: Deletion.
Coding change: c.2827_2829+6del on transcript NM_000124.4 (MANE Select); coding-DNA position 2827 through 6 bases into the intron after coding-DNA position 2829, 9 bases deleted (CAGGTTTGT; older notation c.2827_2829+6delCAGGTTTGT).
Molecular consequence: splice donor variant.
Genome position (GRCh38, 1-based): chr10:49,472,903-49,472,911, ACAAACCTG deleted on the plus strand (CAGGTTTGT on the coding strand, the reverse complement: ERCC6 is on the minus strand). VCF-style (leftmost placement, unchanged base first): chr10-49472902-AACAAACCTG-A. GRCh37 (hg19) VCF-style: chr10-50680948-AACAAACCTG-A.
Other names: c.2827_2829+6del (NM_001346440.2).
Identifiers: ClinVar variation 2834003 (VCV002834003.3), dbSNP rs1439882146, ClinGen allele CA666028990.
Genomic context (GRCh38, chr10:49,472,902, plus strand): 5'-CAAAAGCGCTAACCATGAAACTATATTTCTACTAATACATTCTTTTAAAAAAAAAATAAA[AACAAACCTG>A]CGTGTCCGTGCTTGGGTTCCAGTCTGGGTCATAGATGACAACTCTGTTTGCCCCCGTCAG-3'

ClinVar aggregate classification (germline): Likely pathogenic (1 of 4 stars; one submission).

Allele frequency attached by ClinVar (database versions not stated): TOPMed 0.00002.

Submission:

Labcorp Genetics (formerly Invitae), Labcorp
Classification: Likely pathogenic. Last evaluated: 2023-02-03. Review status: criteria provided, single submitter. Criteria: Invitae Variant Classification Sherloc (09022015). Collection method: clinical testing. Allele origin: germline.
Comment: This variant has not been reported in the literature in individuals affected with ERCC6-related conditions. This variant results in the deletion of part of exon 15 of the ERCC6 gene. It is expected to disrupt RNA splicing. Variants that disrupt the donor or acceptor splice site typically lead to a loss of protein function (PMID: 16199547), and loss-of-function variants in ERCC6 are known to be pathogenic (PMID: 18628313, 29572252). This variant is not present in population databases (gnomAD no frequency). Algorithms developed to predict the effect of sequence changes on RNA splicing suggest that this variant may disrupt the consensus splice site. In summary, the currently available evidence indicates that the variant is pathogenic, but additional data are needed to prove that conclusively. Therefore, this variant has been classified as Likely Pathogenic.

Literature cited by the submitters: PubMed 16199547; PubMed 18628313; PubMed 29572252.